The following is an entry in ClinVar:

ClinVar aggregate classification (germline): Uncertain significance (1 of 4 stars; one submission).

Allele frequency attached by ClinVar (database versions not stated): gnomAD exomes below 0.00001.
gnomAD v4.1: 2 of 1,614,158 alleles (0.00012%); highest among the groups gnomAD compares: Non-Finnish European, 0.00017%; no homozygotes.

Submission:

Ambry Genetics
Classification: Uncertain significance. Last evaluated: 2024-10-17. Review status: criteria provided, single submitter. Criteria: Ambry Variant Classification Scheme 2023. Collection method: clinical testing. Allele origin: germline.
Comment: The p.V361I variant (also known as c.1081G>A), located in coding exon 6 of the GALNT12 gene, results from a G to A substitution at nucleotide position 1081. The valine at codon 361 is replaced by isoleucine, an amino acid with highly similar properties. This amino acid position is highly conserved in available vertebrate species. In addition, the in silico prediction for this alteration is inconclusive. Since supporting evidence is limited at this time, the clinical significance of this alteration remains unclear.

NM_024642.5(GALNT12):c.1081G>A (p.Val361Ile)

Gene: GALNT12 (polypeptide N-acetylgalactosaminyltransferase 12; plus strand). Cytogenetic location: 9q22.33.
Variant type: single nucleotide variant.
Coding change: c.1081G>A on transcript NM_024642.5 (MANE Select); coding-DNA position 1081, G replaced by A.
Protein change: p.Val361Ile; replaces valine 361 with isoleucine.
Molecular consequence: missense variant.
Genome position (GRCh38, 1-based): chr9:98,837,017, G>A. VCF-style: chr9-98837017-G-A. GRCh37 (hg19) VCF-style: chr9-101599299-G-A.
Other names: short protein forms V361I.
Identifiers: ClinVar variation 1786598 (VCV001786598.3), dbSNP rs2490532799, ClinGen allele CA374219751.